The following is an entry in ClinVar:

NM_000322.5(PRPH2):c.580G>C (p.Asp194His)

Gene: PRPH2 (peripherin 2; minus strand). Cytogenetic location: 6p21.1.
Variant type: single nucleotide variant.
Coding change: c.580G>C on transcript NM_000322.5 (MANE Select); coding-DNA position 580, G replaced by C.
Protein change: p.Asp194His; replaces aspartic acid 194 with histidine.
Molecular consequence: missense variant.
Genome position (GRCh38, 1-based): chr6:42,721,755, C>G on the plus strand (G>C on the coding strand, the complement: PRPH2 is on the minus strand). VCF-style: chr6-42721755-C-G. GRCh37 (hg19) VCF-style: chr6-42689493-C-G.
Other names: short protein forms D194H.
Identifiers: ClinVar variation 2187625 (VCV002187625.4), dbSNP rs756746825, ClinGen allele CA3808592.

ClinVar aggregate classification (germline): Uncertain significance (1 of 4 stars; one submission).

Conditions:
PRPH2-related disorder. Also called: PRPH2-related disorders; PRPH2-related condition. Identifiers: MedGen CN239395.

Allele frequency attached by ClinVar (database versions not stated): gnomAD exomes below 0.00001; gnomAD 0.00001; ExAC 0.00002.

Submission:

Labcorp Genetics (formerly Invitae), Labcorp
Classification: Uncertain significance for PRPH2-related disorder. Last evaluated: 2024-12-22. Review status: criteria provided, single submitter. Criteria: Invitae Variant Classification Sherloc (09022015). Collection method: clinical testing. Allele origin: germline.
Comment: This sequence change replaces aspartic acid, which is acidic and polar, with histidine, which is basic and polar, at codon 194 of the PRPH2 protein (p.Asp194His). This variant is present in population databases (rs756746825, gnomAD 0.006%). This variant has not been reported in the literature in individuals affected with PRPH2-related conditions. ClinVar contains an entry for this variant (Variation ID: 2187625). An algorithm developed to predict the effect of missense changes on protein structure and function (PolyPhen-2) suggests that this variant is likely to be disruptive. In summary, the available evidence is currently insufficient to determine the role of this variant in disease. Therefore, it has been classified as a Variant of Uncertain Significance.